The following is an entry in ClinVar:

NM_001370259.2(MEN1):c.41_42delinsT (p.Arg14fs)

Gene: MEN1 (menin 1; minus strand). Cytogenetic location: 11q13.1.
Variant type: Indel.
Coding change: c.41_42delinsT on transcript NM_001370259.2 (MANE Select); coding-DNA positions 41 to 42, GC replaced by T.
Protein change: p.Arg14fs; shifts the reading frame from arginine 14.
Molecular consequence: frameshift variant.
Genome position (GRCh38, 1-based): chr11:64,810,068-64,810,069, GC replaced by A on the plus strand (GC replaced by T on the coding strand, the reverse complement: MEN1 is on the minus strand). VCF-style: chr11-64810068-GC-A. GRCh37 (hg19) VCF-style: chr11-64577540-GC-A.
Other names: c.41_42delinsT, p.Arg14fs (NM_000244.4, NM_001370251.2, NM_001370260.2 and 9 more transcripts); c.41_42delGCinsT, p.Arg14Leufs (NM_001407142.1, NM_001407143.1, NM_001407144.1 and 8 more transcripts); short protein forms R14fs.
Identifiers: ClinVar variation 2100007 (VCV002100007.5), dbSNP rs2497289542, ClinGen allele CA2580084463.

ClinVar aggregate classification (germline): Pathogenic. Review status: criteria provided, multiple submitters, no conflicts (2 of 4 stars). 2 submissions from 2 submitters: Pathogenic (2). Last evaluated 2025-01-31.

Conditions:
Multiple endocrine neoplasia, type 1 (MEN1). Also called: MEN I; WERMER SYNDROME; Endocrine adenomatosis multiple; MEN 1; MEA I. Identifiers: Orphanet 652, MedGen C0025267, MeSH D018761, MONDO:0007540, OMIM 131100.

Submissions (2):

Myriad Genetics, Inc.
Classification: Pathogenic for Multiple endocrine neoplasia, type 1. Last evaluated: 2025-01-31. Review status: criteria provided, single submitter. Criteria: Myriad Autosomal Dominant, Autosomal Recessive and X-Linked Classification Criteria (2023). Collection method: clinical testing. Allele origin: unknown.
Comment: This variant is considered pathogenic. This variant creates a frameshift predicted to result in premature protein truncation.

Labcorp Genetics (formerly Invitae), Labcorp
Classification: Pathogenic for Multiple endocrine neoplasia, type 1. Last evaluated: 2022-07-09. Review status: criteria provided, single submitter. Criteria: Invitae Variant Classification Sherloc (09022015). Collection method: clinical testing. Allele origin: germline.
Comment: For these reasons, this variant has been classified as Pathogenic. This sequence change creates a premature translational stop signal (p.Arg14Leufs*105) in the MEN1 gene. It is expected to result in an absent or disrupted protein product. Loss-of-function variants in MEN1 are known to be pathogenic (PMID: 12112656, 17853334). This variant is not present in population databases (gnomAD no frequency). This variant has not been reported in the literature in individuals affected with MEN1-related conditions.

Literature cited by the submitters: PubMed 12112656 (cited by Labcorp Genetics (formerly Invitae), Labcorp); PubMed 17853334 (cited by Labcorp Genetics (formerly Invitae), Labcorp).